The following is an entry in ClinVar:

NM_001365999.1(SZT2):c.471C>G (p.Ser157=)

Gene: SZT2 (SZT2 subunit of KICSTOR complex; plus strand). Cytogenetic location: 1p34.2.
Variant type: single nucleotide variant.
Coding change: c.471C>G on transcript NM_001365999.1 (MANE Select); coding-DNA position 471, C replaced by G.
Protein change: p.Ser157=; no amino-acid change (serine 157 retained).
Molecular consequence: synonymous variant.
Genome position (GRCh38, 1-based): chr1:43,404,523, C>G. VCF-style: chr1-43404523-C-G. GRCh37 (hg19) VCF-style: chr1-43870194-C-G.
Other names: c.471C>G, p.Ser157= (NM_015284.4).
Identifiers: ClinVar variation 1136962 (VCV001136962.11), dbSNP rs772600300, ClinGen allele CA808173.
Genomic context (GRCh38, chr1:43,404,523, plus strand): 5'-AGTGCCTGGATCTTGCATCGACTTCCAGCCTGAGATCTATGTAACTATCCAGGCCTACTC[C>G]TCCATCATTGGACTGCAGTCCCACCAGGTATTGCATCATCTCTCCAAGTTTGTACCCTCA-3'
Protein context (NP_001352928.1, residues 147-167): PEIYVTIQAY[Ser157=]SIIGLQSHQV

ClinVar aggregate classification (germline): Likely benign. Review status: criteria provided, multiple submitters, no conflicts (2 of 4 stars). 2 submissions from 2 submitters: Likely benign (2). Last evaluated 2026-05-01.

Allele frequency attached by ClinVar (database versions not stated): gnomAD exomes below 0.00001; ExAC 0.00001; TOPMed 0.00001.
gnomAD v4.1: 2 of 1,613,744 alleles (0.00012%); highest among the groups gnomAD compares: South Asian, 0.0022%; no homozygotes.

Submissions (2):

CeGaT Center for Human Genetics Tuebingen
Classification: Likely benign. Last evaluated: 2026-05-01. Review status: criteria provided, single submitter. Criteria: CeGaT Center For Human Genetics Tuebingen Variant Classification Criteria Version 2. Collection method: clinical testing. Allele origin: germline. Affected: yes. Observed: 2 variant alleles.
Comment: SZT2: BP4, BP7

Labcorp Genetics (formerly Invitae), Labcorp
Classification: Likely benign. Last evaluated: 2025-02-24. Review status: criteria provided, single submitter. Criteria: Invitae Variant Classification Sherloc (09022015). Collection method: clinical testing. Allele origin: germline.